The following is an entry in ClinVar:

ClinVar aggregate classification (germline): Uncertain significance. Review status: criteria provided, multiple submitters, no conflicts (2 of 4 stars). 2 submissions from 2 submitters: Uncertain significance (2). Last evaluated 2025-12-28.

Conditions:
Renal cell carcinoma. Identifiers: Orphanet 217071, MedGen C0007134, MeSH D002292, MONDO:0005086, HP:0005584.
Hereditary cancer-predisposing syndrome. Also called: Neoplastic Syndromes, Hereditary; Tumor predisposition; Hereditary neoplastic syndrome; Hereditary Cancer Syndrome. Identifiers: Orphanet 140162, MedGen C0027672, MeSH D009386, MONDO:0015356.

Submissions (2):

Labcorp Genetics (formerly Invitae), Labcorp
Classification: Uncertain significance for Renal cell carcinoma. Last evaluated: 2025-12-28. Review status: criteria provided, single submitter. Criteria: Invitae Variant Classification Sherloc (09022015). Collection method: clinical testing. Allele origin: germline.
Comment: This sequence change replaces tyrosine, which is neutral and polar, with histidine, which is basic and polar, at codon 416 of the MET protein (p.Tyr416His). This variant is not present in population databases (gnomAD no frequency). This variant has not been reported in the literature in individuals affected with MET-related conditions. ClinVar contains an entry for this variant (Variation ID: 4053909). Invitae Evidence Modeling of protein sequence and biophysical properties (such as structural, functional, and spatial information, amino acid conservation, physicochemical variation, residue mobility, and thermodynamic stability) indicates that this missense variant is not expected to disrupt MET protein function with a negative predictive value of 80%. In summary, the available evidence is currently insufficient to determine the role of this variant in disease. Therefore, it has been classified as a Variant of Uncertain Significance.

Ambry Genetics
Classification: Uncertain significance for Hereditary cancer-predisposing syndrome. Last evaluated: 2025-05-19. Review status: criteria provided, single submitter. Criteria: Ambry Variant Classification Scheme 2023. Collection method: clinical testing. Allele origin: germline.
Comment: The p.Y416H variant (also known as c.1246T>C), located in coding exon 2 of the MET gene, results from a T to C substitution at nucleotide position 1246. The tyrosine at codon 416 is replaced by histidine, an amino acid with similar properties. This amino acid position is conserved. In addition, the in silico prediction for this alteration is inconclusive. Based on the available evidence, the clinical significance of this variant remains unclear.

NM_000245.4(MET):c.1246T>C (p.Tyr416His)

Gene: MET (MET proto-oncogene, receptor tyrosine kinase; plus strand). Cytogenetic location: 7q31.2.
Variant type: single nucleotide variant.
Coding change: c.1246T>C on transcript NM_000245.4 (MANE Select); coding-DNA position 1246, T replaced by C.
Protein change: p.Tyr416His; replaces tyrosine 416 with histidine.
Molecular consequence: missense variant. On other transcripts: 5 prime UTR variant (1).
Genome position (GRCh38, 1-based): chr7:116,731,713, T>C. VCF-style: chr7-116731713-T-C. GRCh37 (hg19) VCF-style: chr7-116371767-T-C.
Other names: c.1246T>C, p.Tyr416His (NM_001127500.3, NM_001324401.3); c.-45T>C (NM_001324402.2); short protein forms Y416H.
Identifiers: ClinVar variation 4053909 (VCV004053909.2).